The following is an entry in ClinVar:

NM_024408.4(NOTCH2):c.801C>A (p.His267Gln)

Gene: NOTCH2 (notch receptor 2; minus strand). Cytogenetic location: 1p12.
Variant type: single nucleotide variant.
Coding change: c.801C>A on transcript NM_024408.4 (MANE Select); coding-DNA position 801, C replaced by A.
Protein change: p.His267Gln; replaces histidine 267 with glutamine.
Molecular consequence: missense variant.
Genome position (GRCh38, 1-based): chr1:119,987,033, G>T on the plus strand (C>A on the coding strand, the complement: NOTCH2 is on the minus strand). VCF-style: chr1-119987033-G-T. GRCh37 (hg19) VCF-style: chr1-120529656-G-T.
Other names: c.801C>A, p.His267Gln (NM_001200001.2); short protein forms H267Q.
Identifiers: ClinVar variation 431927 (VCV000431927.3), dbSNP rs1553202301, ClinGen allele CA341887667.
Genomic context (GRCh38, chr1:119,987,033, plus strand): 5'-GGGACAGCGGCAGTTGTAAGTGTTGACCCCATCCACACAAACCCCTCCATTCTGACACCT[G>T]TGGTTAGGGCAGTCATCAATATTCCTCTCACAGGTGCTCCCTTCAAAACCTGGTAAATGA-3'
Protein context (NP_077719.2, residues 257-277): CERNIDDCPN[His267Gln]RCQNGGVCVD

ClinVar aggregate classification (germline): Likely pathogenic (1 of 4 stars; one submission).

Submission:

GeneDx
Classification: Likely pathogenic. Last evaluated: 2020-02-11. Review status: criteria provided, single submitter. Criteria: GeneDx Variant Classification Process June 2021. Collection method: clinical testing. Allele origin: germline. Affected: yes.
Comment: Not observed in large population cohorts (Lek et al., 2016); In silico analysis supports that this missense variant has a deleterious effect on protein structure/function; Has not been previously published as pathogenic or benign to our knowledge